The following is an entry in ClinVar:

ClinVar aggregate classification (germline): Uncertain significance (1 of 4 stars; one submission).

Allele frequency attached by ClinVar (database versions not stated): gnomAD exomes below 0.00001.
gnomAD v4.1: 1 of 1,614,086 alleles (0.000062%); highest among the groups gnomAD compares: East Asian, 0.0022%; no homozygotes.

Submission:

Labcorp Genetics (formerly Invitae), Labcorp
Classification: Uncertain significance. Last evaluated: 2025-08-20. Review status: criteria provided, single submitter. Criteria: Invitae Variant Classification Sherloc (09022015). Collection method: clinical testing. Allele origin: germline.
Comment: This sequence change falls in intron 28 of the POLE gene. It does not directly change the encoded amino acid sequence of the POLE protein. It affects a nucleotide within the consensus splice site. This variant is not present in population databases (gnomAD no frequency). This variant has not been reported in the literature in individuals affected with POLE-related conditions. ClinVar contains an entry for this variant (Variation ID: 540713). Variants that disrupt the consensus splice site are a relatively common cause of aberrant splicing (PMID: 17576681, 9536098). Algorithms developed to predict the effect of sequence changes on RNA splicing suggest that this variant is not likely to affect RNA splicing. In summary, the available evidence is currently insufficient to determine the role of this variant in disease. Therefore, it has been classified as a Variant of Uncertain Significance.

Literature cited by the submitters: PubMed 17576681; PubMed 9536098.

NM_006231.4(POLE):c.3459+3A>C

Gene: POLE (DNA polymerase epsilon, catalytic subunit; minus strand). Cytogenetic location: 12q24.33.
Variant type: single nucleotide variant.
Coding change: c.3459+3A>C on transcript NM_006231.4 (MANE Select); 3 bases into the intron after coding-DNA position 3459, A replaced by C.
Molecular consequence: intron variant.
Genome position (GRCh38, 1-based): chr12:132,657,346, T>G on the plus strand (A>C on the coding strand, the complement: POLE is on the minus strand). VCF-style: chr12-132657346-T-G. GRCh37 (hg19) VCF-style: chr12-133233932-T-G.
Identifiers: ClinVar variation 540713 (VCV000540713.6), dbSNP rs1555225183, ClinGen allele CA658797977.
Genomic context (GRCh38, chr12:132,657,346, plus strand): 5'-GAGACCCTTGTCTAACTGCACAGTTTTTAGCCCCACAGCCCGTGCCACTGACCCCGCCCT[T>G]ACCTGCTGCAGGGCCGCAGGGATGGTGATGATCTTCTGGATGGCGCTTCCCAGCCGCTCA-3'